The following is an entry in ClinVar:

ClinVar aggregate classification (germline): Pathogenic/Likely pathogenic. Review status: criteria provided, multiple submitters, no conflicts (2 of 4 stars). 2 submissions from 2 submitters: Pathogenic (1); Likely pathogenic (1). Last evaluated 2026-09-21.

Conditions:
Mitochondrial myopathy, episodic, with optic atrophy and reversible leukoencephalopathy. Also called: MULTIPLE MITOCHONDRIAL DYSFUNCTIONS SYNDROME 8; MITOCHONDRIAL MYOPATHY, EPISODIC, WITH OR WITHOUT OPTIC ATROPHY AND REVERSIBLE LEUKOENCEPHALOPATHY. Identifiers: MedGen C5193223, MONDO:0020714, OMIM 251900.

Submissions (2):

GeneDx
Classification: Pathogenic. Last evaluated: 2026-09-21. Review status: criteria provided, single submitter. Criteria: GeneDx Variant Classification Process June 2021. Collection method: clinical testing. Allele origin: germline.
Comment: Frameshift variant predicted to result in protein truncation or nonsense mediated decay in a gene for which loss of function is a known mechanism of disease; Not observed at significant frequency in large population cohorts (gnomAD); Has not been previously published as pathogenic or benign to our knowledge

Variantyx, Inc.
Classification: Likely pathogenic for Mitochondrial myopathy, episodic, with optic atrophy and reversible leukoencephalopathy. Last evaluated: 2025-08-20. Review status: criteria provided, single submitter. Criteria: Variantyx Assertion Criteria 2022. Collection method: clinical testing. Allele origin: germline. Inheritance: Autosomal recessive inheritance. Affected: no.
Comment: This is a frameshift variant in the FDX2 gene (OMIM: 614585). Pathogenic variants in this gene have been associated with autosomal recessive mitochondrial myopathy, episodic, with optic atrophy and reversible leukoencephalopathy. This variant introduces a premature termination codon in exon 2 out of 5 and is expected to result in loss of function, which is a known disease mechanism for FDX2 in this disorder (PVS1) (PMID:24281368). This variant has a 0.0084% maximum allele frequency in non-founder control populations (PM2) and it has not been previously eported in individuals with FDX2-related disorders in the databases available for review. Based on the current evidence, this variant is classified as likely pathogenic for autosomal recessive mitochondrial myopathy, episodic, with optic atrophy and reversible leukoencephalopathy.

Literature cited by the submitters: PubMed 24281368 (cited by Variantyx, Inc.).

NM_001397406.1(FDX2):c.196del (p.Asp66fs)

Genes: FDX2 (ferredoxin 2; minus strand), FDX2-ZGLP1 (FDX2-ZGLP1 readthrough (NMD candidate); minus strand), LOC130063486 (ATAC-STARR-seq lymphoblastoid silent region 10064; plus strand). Cytogenetic location: 19p13.2.
Variant type: Deletion.
Coding change: c.196del on transcript NM_001397406.1 (MANE Select); coding-DNA position 196, one base deleted (G; older notation c.196delG).
Protein change: p.Asp66fs; shifts the reading frame from aspartic acid 66.
Molecular consequence: frameshift variant. On other transcripts: non-coding transcript variant (2).
Genome position (GRCh38, 1-based): chr19:10,315,709, C deleted on the plus strand (G on the coding strand, the reverse complement: FDX2 is on the minus strand); the first of 4 consecutive C bases (chr19:10,315,709-10,315,712); deleting any one gives the same sequence. VCF-style (leftmost placement, unchanged base first): chr19-10315708-TC-T. GRCh37 (hg19) VCF-style: chr19-10426384-TC-T.
Other names: c.205del (NM_001031734.3, NM_001031734.4); short protein forms D66fs.
Identifiers: ClinVar variation 3361041 (VCV003361041.3).